The following is an entry in ClinVar:

NM_015346.4(ZFYVE26):c.5654-1G>A

Gene: ZFYVE26 (zinc finger FYVE-type containing 26; minus strand). Cytogenetic location: 14q24.1.
Variant type: single nucleotide variant.
Coding change: c.5654-1G>A on transcript NM_015346.4 (MANE Select); the canonical splice acceptor site of the intron before coding-DNA position 5654, G replaced by A.
Molecular consequence: splice acceptor variant.
Genome position (GRCh38, 1-based): chr14:67,767,841, C>T on the plus strand (G>A on the coding strand, the complement: ZFYVE26 is on the minus strand). VCF-style: chr14-67767841-C-T. GRCh37 (hg19) VCF-style: chr14-68234558-C-T.
Identifiers: ClinVar variation 2697630 (VCV002697630.3), dbSNP rs2502760624, ClinGen allele CA390166725.

ClinVar aggregate classification (germline): Likely pathogenic (1 of 4 stars; one submission).

Conditions:
Spastic paraplegia. Identifiers: MedGen C0037772, HP:0001258.

Submission:

Labcorp Genetics (formerly Invitae), Labcorp
Classification: Likely pathogenic for Spastic paraplegia. Last evaluated: 2023-11-20. Review status: criteria provided, single submitter. Criteria: Invitae Variant Classification Sherloc (09022015). Collection method: clinical testing. Allele origin: germline.
Comment: This sequence change affects an acceptor splice site in intron 30 of the ZFYVE26 gene. It is expected to disrupt RNA splicing. Variants that disrupt the donor or acceptor splice site typically lead to a loss of protein function (PMID: 16199547), and loss-of-function variants in ZFYVE26 are known to be pathogenic (PMID: 18394578, 19805727). This variant is not present in population databases (gnomAD no frequency). This variant has not been reported in the literature in individuals affected with ZFYVE26-related conditions. Algorithms developed to predict the effect of sequence changes on RNA splicing suggest that this variant may disrupt the consensus splice site. In summary, the currently available evidence indicates that the variant is pathogenic, but additional data are needed to prove that conclusively. Therefore, this variant has been classified as Likely Pathogenic.

Literature cited by the submitters: PubMed 16199547; PubMed 18394578; PubMed 19805727.